The following is an entry in ClinVar:

ClinVar aggregate classification (germline): Benign. Review status: criteria provided, multiple submitters, no conflicts (2 of 4 stars). 3 submissions from 3 submitters: Benign (3). Last evaluated 2025-03-01.

Allele frequency attached by ClinVar (database versions not stated): 1000 Genomes Project 30x 0.00531; 1000 Genomes Project 0.00599; gnomAD 0.00782 and 0.00783; TOPMed 0.00832; gnomAD exomes 0.00914 and 0.01010; ESP Exome Variant Server 0.00961; ExAC 0.00965.
gnomAD v4.1: 15,969 of 1,614,116 alleles (0.99%); highest among the groups gnomAD compares: Middle Eastern, 6.9%; 123 homozygotes.

Submissions (3):

CeGaT Center for Human Genetics Tuebingen
Classification: Benign. Last evaluated: 2025-03-01. Review status: criteria provided, single submitter. Criteria: CeGaT Center For Human Genetics Tuebingen Variant Classification Criteria Version 2. Collection method: clinical testing. Allele origin: germline. Affected: yes. Observed: 1 variant allele.
Comment: PLXNA4: BP4, BS1, BS2

Labcorp Genetics (formerly Invitae), Labcorp
Classification: Benign. Last evaluated: 2019-01-01. Review status: criteria provided, single submitter. Criteria: Invitae Variant Classification Sherloc (09022015). Collection method: clinical testing. Allele origin: germline.

Breakthrough Genomics
Classification: Benign. Review status: criteria provided, single submitter. Criteria: ACMG Guidelines, 2015. Collection method: not provided. Allele origin: germline. Inheritance: Unknown mechanism. Affected: yes.

NM_020911.2(PLXNA4):c.118T>C (p.Phe40Leu)

Gene: PLXNA4 (plexin A4; minus strand). Cytogenetic location: 7q32.3.
Variant type: single nucleotide variant.
Coding change: c.118T>C on transcript NM_020911.2 (MANE Select); coding-DNA position 118, T replaced by C.
Protein change: p.Phe40Leu; replaces phenylalanine 40 with leucine.
Molecular consequence: missense variant.
Genome position (GRCh38, 1-based): chr7:132,508,576, A>G on the plus strand (T>C on the coding strand, the complement: PLXNA4 is on the minus strand). VCF-style: chr7-132508576-A-G. GRCh37 (hg19) VCF-style: chr7-132193335-A-G.
Other names: c.118T>C, p.Phe40Leu (NM_001105543.2, NM_001393897.1, NM_181775.4); short protein forms F40L.
Identifiers: ClinVar variation 789012 (VCV000789012.11), dbSNP rs145024048, ClinGen allele CA4490551.
Genomic context (GRCh38, chr7:132,508,576, plus strand): 5'-TCCTCTCATCCACCACCAGGTGATTGAAACCCTCGGCGGGCTCTCCTCGGAATGTGACAA[A>G]TGACCGCTGCTTCTGGGACAGCGGGGCTGGCTGCCGGGTGAGCAAAGTGGAGGAGCCCAT-3'
Protein context (NP_065962.1, residues 30-50): PAPLSQKQRS[Phe40Leu]VTFRGEPAEG